The following is an entry in ClinVar:

ClinVar aggregate classification (germline): Uncertain significance (1 of 4 stars; one submission).

Submission:

Ambry Genetics
Classification: Uncertain significance. Last evaluated: 2025-11-18. Review status: criteria provided, single submitter. Criteria: Ambry Variant Classification Scheme 2023. Collection method: clinical testing. Allele origin: germline.
Comment: The c.451C>G (p.P151A) alteration is located in exon 1 (coding exon 1) of the ARHGAP35 gene. This alteration results from a C to G substitution at nucleotide position 451, causing the proline (P) at amino acid position 151 to be replaced by an alanine (A). This variant was not reported in population-based cohorts in the Genome Aggregation Database (gnomAD). This amino acid position is highly conserved in available vertebrate species. This missense alteration is located in a region that has a low rate of benign missense variation (Lek, 2016; Firth, 2009). This alteration is predicted to be deleterious by in silico analysis. Based on insufficient or conflicting evidence, the clinical significance of this alteration remains unclear.

NM_004491.5(ARHGAP35):c.451C>G (p.Pro151Ala)

Gene: ARHGAP35 (Rho GTPase activating protein 35; plus strand). Cytogenetic location: 19q13.32.
Variant type: single nucleotide variant.
Coding change: c.451C>G on transcript NM_004491.5 (MANE Select); coding-DNA position 451, C replaced by G.
Protein change: p.Pro151Ala; replaces proline 151 with alanine.
Molecular consequence: missense variant.
Genome position (GRCh38, 1-based): chr19:46,919,126, C>G. VCF-style: chr19-46919126-C-G. GRCh37 (hg19) VCF-style: chr19-47422383-C-G.
Other names: short protein forms P151A.
Identifiers: ClinVar variation 4642416 (VCV004642416.1).
Genomic context (GRCh38, chr19:46,919,126, plus strand): 5'-CTCATGTACTTTTGCACTGACCAGCTGGGGCTGGAGCAGGACTTTGAGCAGAAACAAATG[C>G]CAGACGGAAAGCTGCTGGTTGATGGTTTTCTTCTTGGTATTGATGTTAGCAGGGGCATGA-3'
Protein context (NP_004482.4, residues 141-161): LEQDFEQKQM[Pro151Ala]DGKLLVDGFL